The following is an entry in ClinVar:

ClinVar aggregate classification (germline): Uncertain significance. Review status: criteria provided, multiple submitters, no conflicts (2 of 4 stars). 2 submissions from 2 submitters: Uncertain significance (2). Last evaluated 2025-12-23.

Conditions:
Hereditary cancer-predisposing syndrome. Also called: Hereditary Cancer Syndrome; Neoplastic Syndromes, Hereditary; Tumor predisposition; Hereditary neoplastic syndrome. Identifiers: Orphanet 140162, MedGen C0027672, MeSH D009386, MONDO:0015356.
Ataxia-telangiectasia syndrome (AT). Also called: Cerebello-oculocutaneous telangiectasia; Immunodeficiency with ataxia telangiectasia; Ataxia-telangiectasia, complementation group E; Ataxia-telangiectasia, complementation group D; AT, COMPLEMENTATION GROUP C; ATAXIA-TELANGIECTASIA, COMPLEMENTATION GROUP A. Identifiers: Orphanet 100, MedGen C0004135, MONDO:0008840, OMIM 208900.

Allele frequency attached by ClinVar (database versions not stated): gnomAD exomes below 0.00001.
gnomAD v4.1: 2 of 1,614,112 alleles (0.00012%); highest among the groups gnomAD compares: Non-Finnish European, 0.00017%; no homozygotes.

Submissions (2):

Ambry Genetics
Classification: Uncertain significance for Hereditary cancer-predisposing syndrome. Last evaluated: 2025-12-23. Review status: criteria provided, single submitter. Criteria: Ambry Variant Classification Scheme 2023. Collection method: clinical testing. Allele origin: germline.
Comment: The p.C2704Y variant (also known as c.8111G>A), located in coding exon 54 of the ATM gene, results from a G to A substitution at nucleotide position 8111. The cysteine at codon 2704 is replaced by tyrosine, an amino acid with highly dissimilar properties. In an assay testing ATM function, this variant showed a functionally abnormal result (Lee KS et al. Cell, 2025 Sep;188:5081-5099.e27). This amino acid position is highly conserved in available vertebrate species. In addition, this alteration is predicted to be deleterious by in silico analysis. Based on the available evidence, the clinical significance of this variant remains unclear.

Labcorp Genetics (formerly Invitae), Labcorp
Classification: Uncertain significance for Ataxia-telangiectasia syndrome. Last evaluated: 2025-09-07. Review status: criteria provided, single submitter. Criteria: Invitae Variant Classification Sherloc (09022015). Collection method: clinical testing. Allele origin: germline.
Comment: This sequence change replaces cysteine, which is neutral and slightly polar, with tyrosine, which is neutral and polar, at codon 2704 of the ATM protein (p.Cys2704Tyr). This variant is not present in population databases (gnomAD no frequency). This variant has not been reported in the literature in individuals affected with ATM-related conditions. ClinVar contains an entry for this variant (Variation ID: 524358). Invitae Evidence Modeling of protein sequence and biophysical properties (such as structural, functional, and spatial information, amino acid conservation, physicochemical variation, residue mobility, and thermodynamic stability) indicates that this missense variant is expected to disrupt ATM protein function with a positive predictive value of 95%. This variant disrupts the p.Cys2704 amino acid residue in ATM. Other variant(s) that disrupt this residue have been observed in individuals with ATM-related conditions (PMID: 21965147, 26439923), which suggests that this may be a clinically significant amino acid residue. In summary, the available evidence is currently insufficient to determine the role of this variant in disease. Therefore, it has been classified as a Variant of Uncertain Significance.

Literature cited by the submitters: PubMed 40580951 (cited by Ambry Genetics); PubMed 21965147 (cited by Labcorp Genetics (formerly Invitae), Labcorp); PubMed 26439923 (cited by Labcorp Genetics (formerly Invitae), Labcorp).

NM_000051.4(ATM):c.8111G>A (p.Cys2704Tyr)

Genes: ATM (ATM serine/threonine kinase; plus strand), C11orf65 (chromosome 11 open reading frame 65; minus strand). Cytogenetic location: 11q22.3.
Variant type: single nucleotide variant.
Coding change: c.8111G>A on transcript NM_000051.4 (MANE Select); coding-DNA position 8111, G replaced by A.
Protein change: p.Cys2704Tyr; replaces cysteine 2704 with tyrosine.
Molecular consequence: missense variant. On other transcripts: intron variant (2).
Genome position (GRCh38, 1-based): chr11:108,335,069, G>A. VCF-style: chr11-108335069-G-A. GRCh37 (hg19) VCF-style: chr11-108205796-G-A.
Other names: c.8111G>A, p.Cys2704Tyr (NM_001351834.2); c.641-25998C>T (NM_001330368.2); c.*38+151C>T (NM_001351110.2); short protein forms C2704Y.
Identifiers: ClinVar variation 524358 (VCV000524358.10), dbSNP rs1555127249, ClinGen allele CA382562136.
Genomic context (GRCh38, chr11:108,335,069, plus strand): 5'-AGTCATTTAAAGCAGAATTTCGCTTAGCAGGAGGTGTAAATTTACCAAAAATAATAGATT[G>A]TGTAGGTTCCGATGGCAAGGAGAGGAGACAGCTTGTTAAGGTGAGCCTTCCCTTCTCTGG-3'
Protein context (NP_000042.3, residues 2694-2714): GGVNLPKIID[Cys2704Tyr]VGSDGKERRQ